The following is an entry in ClinVar:

ClinVar aggregate classification (germline): Uncertain significance (1 of 4 stars; one submission).

gnomAD v4.1: 1 of 1,613,746 alleles (0.000062%); no homozygotes.

Submission:

GeneDx
Classification: Uncertain significance. Last evaluated: 2024-08-06. Review status: criteria provided, single submitter. Criteria: GeneDx Variant Classification Process June 2021. Collection method: clinical testing. Allele origin: germline. Affected: yes.
Comment: Not observed at significant frequency in large population cohorts (gnomAD); In silico analysis supports that this missense variant has a deleterious effect on protein structure/function; Has not been previously published as pathogenic or benign to our knowledge

NM_004171.4(SLC1A2):c.941G>T (p.Gly314Val)

Gene: SLC1A2 (solute carrier family 1 member 2; minus strand). Cytogenetic location: 11p13.
Variant type: single nucleotide variant.
Coding change: c.941G>T on transcript NM_004171.4 (MANE Select); coding-DNA position 941, G replaced by T.
Protein change: p.Gly314Val; replaces glycine 314 with valine.
Molecular consequence: missense variant.
Genome position (GRCh38, 1-based): chr11:35,292,437, C>A on the plus strand (G>T on the coding strand, the complement: SLC1A2 is on the minus strand). VCF-style: chr11-35292437-C-A. GRCh37 (hg19) VCF-style: chr11-35313984-C-A.
Other names: c.914G>T, p.Gly305Val (NM_001195728.3, NM_001252652.2); short protein forms G305V, G314V.
Identifiers: ClinVar variation 3603127 (VCV003603127.1).